The following continues an entry in ClinVar:

NM_000277.3(PAH):c.1222C>T (p.Arg408Trp)

Gene: PAH. ClinVar aggregate classification (germline): Pathogenic. Pathogenic (1).

Submissions 29 to 44 of 44:

Illumina Laboratory Services, Illumina
Classification: Pathogenic for Phenylketonuria. Last evaluated: 2017-04-27. Review status: criteria provided, single submitter. Criteria: ICSL Variant Classification Criteria 09 May 2019. Collection method: clinical testing. Allele origin: germline. Not counted in ClinVar's aggregate classification.
Comment: The PAH c.1222C>T (p.Arg408Trp) variant is a well-documented missense variant that has been identified in many patients with phenylalanine hydroxylase deficiency (DiLella et al. 1987; ZurflÃ¼h et al. 2008). Across a selection of the available literature, the p.Arg408Trp variant has been identified in a homozygous state in 24 patients and in a compound heterozygous state in at least 106 patients (KaraciÄ‡ et al. 2009; Utz et al. 2012; Sterl et al. 2013). Control data are not available from thse studies for this variant, which is reported at a frequency of 0.00174 in the European-American population of the Exome Sequencing Project. Functional studies in E coli with p.Arg408Trp-PAH or wild type PAH demonstrated that the p.Arg408Trp-PAH formed high molecular weight aggregates, suggesting a severe folding defect (Gersting et al. 2008). Based on the collective evidence, the p.Arg408Trp variant is classified as pathogenic for phenylalanine hydroxylase deficiency. This variant was observed by ICSL as part of a predisposition screen in an ostensibly healthy population.

Women's Health and Genetics/Laboratory Corporation of America, LabCorp
Classification: Pathogenic for Phenylketonuria. Last evaluated: 2016-12-07. Review status: criteria provided, single submitter. Criteria: LabCorp Variant Classification Summary - May 2015. Collection method: clinical testing. Allele origin: germline. Not counted in ClinVar's aggregate classification.
Comment: Variant summary: The c.1222C>T (p.Arg408Trp) in PAH gene is a missense change that involves a non-conserved nucleotide and 5/5 in silico tools predict deleterious outcome. The variant of interest is located within the catalytic domain and mutations were proven to lead to severe aggregation and complete disruption of structural integrity, and, as a result, complete abolishment of all residual enzyme activity. The variant is present in the large control population dataset of ExAC at a frequency 0.00066 (80/121328 chrs tested), predominantly in individuals of European descent (0.0011; 74/66718) which does not exceed the maximal expected frequency of a pathogenic allele (0.0079) in this gene. The variant has been identified homozygously or in the compound heterozygous state in numerous affected individuals with severe presentation. It is listed as the most common missense pathogenic variant in European population. Lastly, multiple reputable databases/diagnostic centers classified the variant of interest as Pathogenic. Taken together, the variant was classified as Pathogenic.

Clinical Genetics DNA and cytogenetics Diagnostics Lab, Erasmus MC, Erasmus Medical Center
Classification: Pathogenic for Phenylketonuria. Last evaluated: 2016-05-04. Review status: criteria provided, single submitter. Criteria: ACGS Guidelines, 2013. Collection method: clinical testing. Allele origin: germline. Affected: yes. Study: VKGL Data-share Consensus. Not counted in ClinVar's aggregate classification.

Center for Pediatric Genomic Medicine, Children's Mercy Hospital and Clinics
Classification: Pathogenic. Last evaluated: 2015-12-23. Review status: criteria provided, single submitter. Criteria: ACMG Guidelines, 2015. Collection method: clinical testing. Allele origin: germline. Not counted in ClinVar's aggregate classification.

Knight Diagnostic Laboratories, Oregon Health and Sciences University
Classification: Pathogenic for Phenylketonuria. Last evaluated: 2015-08-13. Review status: criteria provided, single submitter. Criteria: ACMG Guidelines, 2015. Collection method: clinical testing. Allele origin: germline. Affected: no. Study: CSER-NextGen. Not counted in ClinVar's aggregate classification.
Comment: The c.1222C>T (p. Arg408Trp) missense variant in the PAH gene has been shown to segregate with PKU in a family, wherein the affected individual was found to be homozygous [DiLella AG et al., (1987)]. This variant is predominantly found in the Eastern European population who were diagnosed with PKU [Zschocke J, (2003)]. The prevalence of the variant in affected individuals is significantly increased compared with the prevalence in controls [ZurflÃ¼h MR et al., (2008)]. Furthermore, protein-expression studies in E.coli, using human cDNA containing this variant, showed 100% protein aggregation, which suggests a severe folding defect and loss of function [Gersting SW et al., (2008)]. The frequency of this variant in the population databases (1000Genome, Exome Sequencing Project and ExAC) is lower than the disease-allele frequency and there are no homozygotes present. Several computational algorithms predict a deleterious effect of this variant on the protein. Finally, a reputable source has also classified this variant as Pathogenic. Therefore, the collective evidence supports a classification of the c.1222C>T (p. Arg408Trp) variant in the PAH gene as Pathogenic. We have confirmed this finding in our laboratory using Sanger sequencing.

Genome Diagnostics Laboratory, University Medical Center Utrecht
Classification: Pathogenic for Phenylketonuria. Last evaluated: 2014-10-08. Review status: criteria provided, single submitter. Criteria: ACGS Guidelines, 2013. Collection method: clinical testing. Allele origin: germline. Affected: yes. Study: VKGL Data-share Consensus. Not counted in ClinVar's aggregate classification.

Clinical Genetics Service, Universitary Hospital 12 de Octubre
Classification: Pathogenic for Phenylketonuria. Review status: criteria provided, single submitter. Criteria: ACMG Guidelines, 2015. Collection method: clinical testing. Allele origin: paternal. Affected: yes. Not counted in ClinVar's aggregate classification.

Imagene.me medical diagnostic laboratory, IMAGENE.ME SA
Classification: Pathogenic for Phenylketonuria. Review status: criteria provided, single submitter. Criteria: IMAGENE.ME Variant Classification SOP 2022. Collection method: clinical testing. Allele origin: germline. Affected: yes. Not counted in ClinVar's aggregate classification.
Comment: Classified according to the IMAGENE.ME variant classification SOP based on the ACMG guidelines as Pathogenic (P): PS3 + PM1 + PP3_Moderate + PP4_Moderate

Juno Genomics, Hangzhou Juno Genomics, Inc
Classification: Pathogenic for Phenylketonuria. Review status: criteria provided, single submitter. Criteria: ACMG Guidelines, 2015. Collection method: clinical testing. Allele origin: germline. Affected: yes. Not counted in ClinVar's aggregate classification.
Comment: Multiple lines of computational evidence support a deleterious effect on the gene or gene product (conservation, evolutionary, splicing impact, etc).;Well-established in vitro or in vivo functional studies supportive of a damaging effect on the gene or gene product.;Patient's phenotype or family history is highly specific for a disease with a single genetic etiology.;For recessive disorders, detected in trans with a pathogenic variant.

Kariminejad - Najmabadi Pathology & Genetics Center
Classification: Pathogenic for Phenylketonuria. Review status: criteria provided, single submitter. Criteria: ACMG Guidelines, 2015. Collection method: clinical testing. Allele origin: germline. Affected: no. Not counted in ClinVar's aggregate classification.

UNC Molecular Genetics  Laboratory, University of North Carolina at Chapel Hill
Classification: Pathogenic for Phenylketonuria. Review status: criteria provided, single submitter. Criteria: ACMG Guidelines, 2015. Collection method: research. Allele origin: germline. Affected: yes. Observed: 1 variant allele. Study: NSIGHT-NC NEXUS. Not counted in ClinVar's aggregate classification.
Comment: The PAH c.1222C>T (p.R408W) missense variant has been reported in multiple individuals with phenylketonuria and results in an amino acid change in the catalytic domain of the encoded protein (PMID: 7833927; 1312992; 8659548; 18538294).

Zotz-Klimas Genetics Lab, MVZ Zotz Klimas
Classification: Pathogenic for Phenylketonuria. Last evaluated: 2023-10-30. Review status: no assertion criteria provided. Collection method: clinical testing. Allele origin: germline. Affected: yes. Not counted in ClinVar's aggregate classification.

OMIM
Classification: Pathogenic for PHENYLKETONURIA. Last evaluated: 2008-07-01. Review status: no assertion criteria provided. Collection method: literature only. Allele origin: germline. Not counted in ClinVar's aggregate classification.

DeBelle Laboratory for Biochemical Genetics, MUHC/MCH RESEARCH INSTITUTE
No classification provided. Review status: no classification provided. Collection method: not provided. Allele origin: not provided. Not counted in ClinVar's aggregate classification.

GeneReviews
No classification provided. Condition: Phenylketonuria. Review status: no classification provided. Collection method: literature only. Allele origin: germline. Affected: yes. Not counted in ClinVar's aggregate classification.

Joint Genome Diagnostic Labs from Nijmegen and Maastricht, Radboudumc and MUMC+
Classification: Pathogenic. Review status: no assertion criteria provided. Collection method: clinical testing. Allele origin: germline. Affected: yes. Study: VKGL Data-share Consensus. Not counted in ClinVar's aggregate classification.

Literature cited by the submitters: PubMed 1609797 (cited by ClinGen PAH Variant Curation Expert Panel); PubMed 17935162 (cited by 8 submitters); PubMed 9634518 (cited by 3 submitters); PubMed 25596310 (cited by 8 submitters); PubMed 1971147 (cited by 3 submitters); PubMed 33375644 (cited by Dasa and Ambry Genetics); PubMed 2014036 (cited by Labcorp Genetics (formerly Invitae), Labcorp); PubMed 8097262 (cited by Labcorp Genetics (formerly Invitae), Labcorp); PubMed 12173030 (cited by Labcorp Genetics (formerly Invitae), Labcorp); PubMed 23430547 (cited by Labcorp Genetics (formerly Invitae), Labcorp); PubMed 12655546 (cited by Labcorp Genetics (formerly Invitae), Labcorp); PubMed 18538294 (cited by 7 submitters); PubMed 18937047 (cited by 4 submitters); PubMed 19036622 (cited by Labcorp Genetics (formerly Invitae), Labcorp); PubMed 21953985 (cited by Labcorp Genetics (formerly Invitae), Labcorp); PubMed 26481238 (cited by 3billion and Victorian Clinical Genetics Services, Murdoch Childrens Research Institute); PubMed 1312992 (cited by 3billion and UNC Molecular Genetics  Laboratory, University of North Carolina at Chapel Hill); PubMed 2884570 (cited by 7 submitters); PubMed 8825928 (cited by Ambry Genetics); PubMed 26542770 (cited by Ambry Genetics); PubMed 30668579 (cited by Ambry Genetics and Victorian Clinical Genetics Services, Murdoch Childrens Research Institute); PubMed 30963030 (cited by Ambry Genetics); PubMed 31355225 (cited by Ambry Genetics and Quest Diagnostics Nichols Institute San Juan Capistrano); PubMed 30037505 (cited by Victorian Clinical Genetics Services, Murdoch Childrens Research Institute and Quest Diagnostics Nichols Institute San Juan Capistrano); PubMed 23500595 (cited by Quest Diagnostics Nichols Institute San Juan Capistrano); PubMed 23559577 (cited by Quest Diagnostics Nichols Institute San Juan Capistrano); PubMed 22526846 (cited by Quest Diagnostics Nichols Institute San Juan Capistrano and Illumina Laboratory Services, Illumina); PubMed 22112818 (cited by Quest Diagnostics Nichols Institute San Juan Capistrano and Illumina Laboratory Services, Illumina); PubMed 19394257 (cited by Quest Diagnostics Nichols Institute San Juan Capistrano and Illumina Laboratory Services, Illumina); PubMed 37421234 (cited by Quest Diagnostics Nichols Institute San Juan Capistrano); PubMed 38731816 (cited by Quest Diagnostics Nichols Institute San Juan Capistrano); PubMed 36246604 (cited by Quest Diagnostics Nichols Institute San Juan Capistrano); PubMed 37189584 (cited by Quest Diagnostics Nichols Institute San Juan Capistrano); PubMed 30747360 (cited by Quest Diagnostics Nichols Institute San Juan Capistrano); PubMed 16879198 (cited by Myriad Genetics, Inc. and OMIM); PubMed 22513348 (cited by Myriad Genetics, Inc.); PubMed 1671768 (cited by Myriad Genetics, Inc. and OMIM); PubMed 8889590 (cited by Myriad Genetics, Inc.); PubMed 12655550 (cited by Women's Health and Genetics/Laboratory Corporation of America, LabCorp); PubMed 20301677 (cited by UNC Molecular Genetics  Laboratory, University of North Carolina at Chapel Hill); PubMed 7833927 (cited by UNC Molecular Genetics  Laboratory, University of North Carolina at Chapel Hill); PubMed 8659548 (cited by UNC Molecular Genetics  Laboratory, University of North Carolina at Chapel Hill); PubMed 1682495 (cited by OMIM); PubMed 2323773 (cited by OMIM); PubMed 1671770 (cited by OMIM); PubMed 1355066 (cited by OMIM); PubMed 1301202 (cited by OMIM); PubMed 8445621 (cited by OMIM); PubMed 12655548 (cited by OMIM); NCBI Bookshelf NBK1504 (cited by GeneReviews).